The following is an entry in ClinVar:

ClinVar aggregate classification (germline): Pathogenic (1 of 4 stars; one submission).

Submission:

Labcorp Genetics (formerly Invitae), Labcorp
Classification: Pathogenic. Last evaluated: 2022-03-22. Review status: criteria provided, single submitter. Criteria: Invitae Variant Classification Sherloc (09022015). Collection method: clinical testing. Allele origin: germline.
Comment: This variant has not been reported in the literature in individuals affected with PHEX-related conditions. This variant is not present in population databases (gnomAD no frequency). This sequence change creates a premature translational stop signal (p.Asn596Lysfs*11) in the PHEX gene. It is expected to result in an absent or disrupted protein product. Loss-of-function variants in PHEX are known to be pathogenic (PMID: 9097956, 9106524, 19219621). For these reasons, this variant has been classified as Pathogenic.

Literature cited by the submitters: PubMed 9097956; PubMed 9106524; PubMed 19219621.

NM_000444.6(PHEX):c.1787dup (p.Asn596fs)

Genes: PHEX (phosphate regulating endopeptidase X-linked; plus strand), PTCHD1-AS (PTCHD1 and PHEX antisense RNA; minus strand). Cytogenetic location: Xp22.11.
Variant type: Duplication.
Coding change: c.1787dup on transcript NM_000444.6 (MANE Select); coding-DNA position 1787, one base duplicated (A; older notation c.1787dupA).
Protein change: p.Asn596fs; shifts the reading frame from asparagine 596.
Molecular consequence: frameshift variant.
Genome position (GRCh38, 1-based): chrX:22,221,631, A duplicated; the last of 5 consecutive A bases (chrX:22,221,627-22,221,631); duplicating any one gives the same sequence. VCF-style (leftmost placement, unchanged base first): chrX-22221626-T-TA. GRCh37 (hg19) VCF-style: chrX-22239743-T-TA.
Other names: c.1787dup, p.Asn596fs (NM_001282754.2); short protein forms N596fs.
Identifiers: ClinVar variation 2138493 (VCV002138493.4), dbSNP rs2518664208, ClinGen allele CA2580100495.
Genomic context (GRCh38, chrX:22,221,626, plus strand): 5'-AGTTTCCATAAATAACACAAATGTCTTCGAACTTTTCCTTTTGCTAGGTAGAAAATATGA[T>TA]AAAAATGGAAACCTGGATCCTTGGTGGTCTACTGAATCAGAAGAAAAGTTTAAGGAAAAA-3'